The following is an entry in ClinVar:

ClinVar aggregate classification (germline): Uncertain significance (1 of 4 stars; one submission).

Submission:

GeneDx
Classification: Uncertain significance. Last evaluated: 2022-12-28. Review status: criteria provided, single submitter. Criteria: GeneDx Variant Classification Process June 2021. Collection method: clinical testing. Allele origin: germline. Affected: yes.
Comment: Not observed at significant frequency in large population cohorts (gnomAD); Nonsense variant predicted to result in protein truncation or nonsense mediated decay in a gene for which loss-of-function is not a known mechanism of disease; Has not been previously published as pathogenic or benign to our knowledge

NM_001007228.2(SPOP):c.1000G>T (p.Glu334Ter)

Gene: SPOP (speckle type BTB/POZ protein; minus strand). Cytogenetic location: 17q21.33.
Variant type: single nucleotide variant.
Coding change: c.1000G>T on transcript NM_001007228.2 (MANE Select); coding-DNA position 1000, G replaced by T.
Protein change: p.Glu334Ter; replaces glutamic acid 334 with a stop codon.
Molecular consequence: nonsense.
Genome position (GRCh38, 1-based): chr17:49,600,503, C>A on the plus strand (G>T on the coding strand, the complement: SPOP is on the minus strand). VCF-style: chr17-49600503-C-A. GRCh37 (hg19) VCF-style: chr17-47677865-C-A.
Other names: c.1000G>T, p.Glu334Ter (NM_001007226.1, NM_001007227.1, NM_001007229.1 and 5 more transcripts); short protein forms E334*.
Identifiers: ClinVar variation 2507283 (VCV002507283.1), dbSNP rs2543773558, ClinGen allele CA400154566.